The following is an entry in ClinVar:

NM_001008537.3(NEXMIF):c.259C>T (p.Pro87Ser)

Gene: NEXMIF (neurite extension and migration factor; minus strand). Cytogenetic location: Xq13.3.
Variant type: single nucleotide variant.
Coding change: c.259C>T on transcript NM_001008537.3 (MANE Select); coding-DNA position 259, C replaced by T.
Protein change: p.Pro87Ser; replaces proline 87 with serine.
Molecular consequence: missense variant.
Genome position (GRCh38, 1-based): chrX:74,744,298, G>A on the plus strand (C>T on the coding strand, the complement: NEXMIF is on the minus strand). VCF-style: chrX-74744298-G-A. GRCh37 (hg19) VCF-style: chrX-73964133-G-A.
Other names: short protein forms P87S.
Identifiers: ClinVar variation 3712038 (VCV003712038.2).

ClinVar aggregate classification (germline): Uncertain significance (1 of 4 stars; one submission).

Submission:

Labcorp Genetics (formerly Invitae), Labcorp
Classification: Uncertain significance. Last evaluated: 2026-01-19. Review status: criteria provided, single submitter. Criteria: Invitae Variant Classification Sherloc (09022015). Collection method: clinical testing. Allele origin: germline.
Comment: This sequence change replaces proline, which is neutral and non-polar, with serine, which is neutral and polar, at codon 87 of the NEXMIF protein (p.Pro87Ser). This variant is present in population databases (rs751318061, gnomAD 0.001%), including at least one homozygous and/or hemizygous individual. This variant has not been reported in the literature in individuals affected with NEXMIF-related conditions. ClinVar contains an entry for this variant (Variation ID: 3712038). An algorithm developed to predict the effect of missense changes on protein structure and function (PolyPhen-2) suggests that this variant is likely to be disruptive. In summary, the available evidence is currently insufficient to determine the role of this variant in disease. Therefore, it has been classified as a Variant of Uncertain Significance.